The following is an entry in ClinVar:

ClinVar aggregate classification (germline): Uncertain significance (1 of 4 stars; one submission).

Submission:

Labcorp Genetics (formerly Invitae), Labcorp
Classification: Uncertain significance. Last evaluated: 2023-03-14. Review status: criteria provided, single submitter. Criteria: Invitae Variant Classification Sherloc (09022015). Collection method: clinical testing. Allele origin: germline.
Comment: This sequence change replaces glycine, which is neutral and non-polar, with arginine, which is basic and polar, at codon 150 of the KIF2A protein (p.Gly150Arg). This variant is not present in population databases (gnomAD no frequency). This variant has not been reported in the literature in individuals affected with KIF2A-related conditions. An algorithm developed to predict the effect of missense changes on protein structure and function (PolyPhen-2) suggests that this variant is likely to be tolerated. Algorithms developed to predict the effect of sequence changes on RNA splicing suggest that this variant may create or strengthen a splice site. In summary, the available evidence is currently insufficient to determine the role of this variant in disease. Therefore, it has been classified as a Variant of Uncertain Significance.

NM_001098511.3(KIF2A):c.448G>A (p.Gly150Arg)

Gene: KIF2A (kinesin family member 2A; plus strand). Cytogenetic location: 5q12.1.
Variant type: single nucleotide variant.
Coding change: c.448G>A on transcript NM_001098511.3 (MANE Select); coding-DNA position 448, G replaced by A.
Protein change: p.Gly150Arg; replaces glycine 150 with arginine.
Molecular consequence: missense variant. On other transcripts: intron variant (1).
Genome position (GRCh38, 1-based): chr5:62,352,701, G>A. VCF-style: chr5-62352701-G-A. GRCh37 (hg19) VCF-style: chr5-61648528-G-A.
Other names: c.367G>A, p.Gly123Arg (NM_001243952.2); c.448G>A, p.Gly150Arg (NM_004520.5); c.400+48G>A (NM_001243953.2); short protein forms G123R, G150R.
Identifiers: ClinVar variation 2845760 (VCV002845760.3), dbSNP rs2531331788, ClinGen allele CA359949041.
Genomic context (GRCh38, chr5:62,352,701, plus strand): 5'-GCACAACAGAATGGTAGTGTTTCAGATATATCTCCAGTTCAAGCTGCAAAAAAGGAATTT[G>A]GACCCCCTTGTATGTAAATTATGTATCAAGGATTTAGTCATTTTAGGCATACATGTATTC-3'
Protein context (NP_001091981.1, residues 140-160): SPVQAAKKEF[Gly150Arg]PPSRRKSNCV